The following is an entry in ClinVar:

NM_198253.3(TERT):c.2652C>T (p.Leu884=)

Gene: TERT (telomerase reverse transcriptase; minus strand). Cytogenetic location: 5p15.33.
Variant type: single nucleotide variant.
Coding change: c.2652C>T on transcript NM_198253.3 (MANE Select); coding-DNA position 2652, C replaced by T.
Protein change: p.Leu884=; no amino-acid change (leucine 884 retained).
Molecular consequence: synonymous variant. On other transcripts: non-coding transcript variant (2).
Genome position (GRCh38, 1-based): chr5:1,266,466, G>A on the plus strand (C>T on the coding strand, the complement: TERT is on the minus strand). VCF-style: chr5-1266466-G-A. GRCh37 (hg19) VCF-style: chr5-1266581-G-A.
Other names: c.2652C>T, p.Leu884= (NM_001193376.3).
Identifiers: ClinVar variation 471872 (VCV000471872.23), dbSNP rs374309472, ClinGen allele CA3184439.
Genomic context (GRCh38, chr5:1,266,466, plus strand): 5'-TCAACTGCAAAGCCCACAGGCTGTGGAGGTCCCCACAGACACACGGCACGGGCCTCACCT[G>A]AGGAAGGTTTTCGCGTGGGTGAGGTGAGGTGTCACCAACAAGAAATCATCCACCAAACGC-3'
Protein context (NP_937983.2, residues 874-894): TPHLTHAKTF[Leu884=]RTLVRGVPEY

ClinVar aggregate classification (germline): Conflicting classifications of pathogenicity. Review status: criteria provided, conflicting classifications (1 of 4 stars). 4 submissions from 4 submitters: Uncertain significance (1); Likely benign (3). Last evaluated 2025-09-01.

Conditions:
Idiopathic Pulmonary Fibrosis. Also called: Idiopathic fibrosing alveolitis, chronic form; idiopathic fibrosing alveolitis. Identifiers: Orphanet 2032, MedGen C1800706, MeSH D054990, MONDO:0800504.
Dyskeratosis congenita, autosomal dominant 2. Identifiers: MedGen C3151443, MONDO:0013521, OMIM 613989.
Dyskeratosis congenita. Identifiers: Orphanet 1775, MedGen C0265965, MONDO:0015780.

Allele frequency attached by ClinVar (database versions not stated): gnomAD exomes 0.00002; ExAC 0.00004; gnomAD 0.00004; TOPMed 0.00006; ESP Exome Variant Server 0.00008.
gnomAD v4.1: 15 of 1,607,936 alleles (0.00093%); highest among the groups gnomAD compares: African/African-American, 0.012%; no homozygotes.

Submissions (4):

CeGaT Center for Human Genetics Tuebingen
Classification: Likely benign. Last evaluated: 2025-09-01. Review status: criteria provided, single submitter. Criteria: CeGaT Center For Human Genetics Tuebingen Variant Classification Criteria Version 2. Collection method: clinical testing. Allele origin: germline. Affected: yes. Observed: 1 variant allele.
Comment: TERT: BP4, BP7

Labcorp Genetics (formerly Invitae), Labcorp
Classification: Likely benign for Dyskeratosis congenita, autosomal dominant 2; Idiopathic Pulmonary Fibrosis. Last evaluated: 2025-07-31. Review status: criteria provided, single submitter. Criteria: Invitae Variant Classification Sherloc (09022015). Collection method: clinical testing. Allele origin: germline.

Ambry Genetics
Classification: Likely benign for Dyskeratosis congenita. Last evaluated: 2022-07-07. Review status: criteria provided, single submitter. Criteria: Ambry Variant Classification Scheme 2023. Collection method: clinical testing. Allele origin: germline.

GeneDx
Classification: Uncertain significance. Last evaluated: 2019-12-20. Review status: criteria provided, single submitter. Criteria: GeneDx Variant Classification Process June 2021. Collection method: clinical testing. Allele origin: germline. Affected: yes.
Comment: Has not been previously published as pathogenic or benign to our knowledge; In-silico analysis, which includes splice predictors and evolutionary conservation, is inconclusive as to whether the variant alters gene splicing. In the absence of RNA/functional studies, the actual effect of this sequence change is unknown.